The following is an entry in ClinVar:

NM_001365276.2(TNXB):c.5890G>A (p.Glu1964Lys)

Gene: TNXB (tenascin XB; minus strand). Cytogenetic location: 6p21.33.
Variant type: single nucleotide variant.
Coding change: c.5890G>A on transcript NM_001365276.2 (MANE Select); coding-DNA position 5890, G replaced by A.
Protein change: p.Glu1964Lys; replaces glutamic acid 1964 with lysine.
Molecular consequence: missense variant.
Genome position (GRCh38, 1-based): chr6:32,068,834, C>T on the plus strand (G>A on the coding strand, the complement: TNXB is on the minus strand). VCF-style: chr6-32068834-C-T. GRCh37 (hg19) VCF-style: chr6-32036611-C-T.
Other names: c.5890G>A, p.Glu1964Lys (NM_019105.8); short protein forms E1964K.
Identifiers: ClinVar variation 3327886 (VCV003327886.1).
Genomic context (GRCh38, chr6:32,068,834, plus strand): 5'-GGACTCTCCCAGCCATCTGAAAGGAGGCATAGTGGGCAGAGTTCTCACCTGTCAGGGCCT[C>T]GACATGGACAGGACCTACATGCTTCCCATCACTGAAACCATACAGGGTCACCAGGTATCT-3'
Protein context (NP_001352205.1, residues 1954-1974): DGKHVGPVHV[Glu1964Lys]ALTVPEEEKP

ClinVar aggregate classification (germline): Uncertain significance (1 of 4 stars; one submission).

Conditions:
Cardiovascular phenotype. Identifiers: MedGen CN230736.

gnomAD v4.1: 10 of 1,605,668 alleles (0.00062%); highest among the groups gnomAD compares: Admixed American, 0.0033%; no homozygotes.

Submission:

Ambry Genetics
Classification: Uncertain significance for Cardiovascular phenotype. Last evaluated: 2024-04-12. Review status: criteria provided, single submitter. Criteria: Ambry Variant Classification Scheme 2023. Collection method: clinical testing. Allele origin: germline.
Comment: The p.E1964K variant (also known as c.5890G>A), located in coding exon 15 of the TNXB gene, results from a G to A substitution at nucleotide position 5890. The glutamic acid at codon 1964 is replaced by lysine, an amino acid with similar properties. This amino acid position is conserved. In addition, this alteration is predicted to be tolerated by in silico analysis. Based on the available evidence, the clinical significance of this variant remains unclear.